The following is an entry in ClinVar:

ClinVar aggregate classification (germline): Uncertain significance (1 of 4 stars; one submission).

Submission:

GeneDx
Classification: Uncertain significance. Last evaluated: 2019-12-20. Review status: criteria provided, single submitter. Criteria: GeneDx Variant Classification Process June 2021. Collection method: clinical testing. Allele origin: germline. Affected: yes.
Comment: Not observed in large population cohorts (Lek et al., 2016); In silico analysis, which includes protein predictors and evolutionary conservation, supports that this variant does not alter protein structure/function; Has not been previously published as pathogenic or benign to our knowledge

NM_178857.6(RP1L1):c.3322G>A (p.Ala1108Thr)

Gene: RP1L1 (RP1 like 1). Cytogenetic location: 8p23.1.
Variant type: single nucleotide variant.
Coding change: c.3322G>A on transcript NM_178857.6 (MANE Select); coding-DNA position 3322, G replaced by A.
Protein change: p.Ala1108Thr; replaces alanine 1108 with threonine.
Molecular consequence: missense variant.
Genome position (GRCh38, 1-based): chr8:10,610,776, C>T on the plus strand (G>A on the coding strand, the complement: RP1L1 is on the minus strand). VCF-style: chr8-10610776-C-T. GRCh37 (hg19) VCF-style: chr8-10468286-C-T.
Other names: short protein forms A1108T.
Identifiers: ClinVar variation 1304887 (VCV001304887.2), dbSNP rs981198123, ClinGen allele CA370288929.
Genomic context (GRCh38, chr8:10,610,776, plus strand): 5'-ATAACTGCAGACTGGCCAGACAAGTAATGAGGGCCCCGGCTGAGCAGCTGAGCCTCCTGG[C>T]CATGGGCCTAGACACTTCGGGCACGCTGCTGGGCCGGCCCTGCTTGGAGCCCATCAGCGC-3'
Protein context (NP_849188.4, residues 1098-1118): SSVPEVSRPM[Ala1108Thr]RRLSCSAGAL